The following is an entry in ClinVar:

NM_201384.3(PLEC):c.7540G>A (p.Ala2514Thr)

Gene: PLEC (plectin; minus strand). Cytogenetic location: 8q24.3.
Variant type: single nucleotide variant.
Coding change: c.7540G>A on transcript NM_201384.3 (MANE Select); coding-DNA position 7540, G replaced by A.
Protein change: p.Ala2514Thr; replaces alanine 2514 with threonine.
Molecular consequence: missense variant.
Genome position (GRCh38, 1-based): chr8:143,922,281, C>T on the plus strand (G>A on the coding strand, the complement: PLEC is on the minus strand). VCF-style: chr8-143922281-C-T. GRCh37 (hg19) VCF-style: chr8-144996449-C-T.
Other names: c.7621G>A, p.Ala2541Thr (NM_000445.5); c.7498G>A, p.Ala2500Thr (NM_201378.4); c.7474G>A, p.Ala2492Thr (NM_201379.3); c.7951G>A, p.Ala2651Thr (NM_201380.4); c.7444G>A, p.Ala2482Thr (NM_201381.3); c.7540G>A, p.Ala2514Thr (NM_201382.4); c.7552G>A, p.Ala2518Thr (NM_201383.3); short protein forms A2482T, A2492T, A2500T, A2514T, A2518T, A2541T, A2651T.
Identifiers: ClinVar variation 1256546 (VCV001256546.2), dbSNP rs1304886778, ClinGen allele CA372524612.

ClinVar aggregate classification (germline): Uncertain significance. Review status: criteria provided, multiple submitters, no conflicts (2 of 4 stars). 2 submissions from 2 submitters: Uncertain significance (2). Last evaluated 2025-08-11.

Conditions:
Epidermolysis bullosa simplex 5B, with muscular dystrophy (EBS5B). Also called: Epidermolysis bullosa simplex with muscular dystrophy; EPIDERMOLYSIS BULLOSA SIMPLEX AND LIMB-GIRDLE MUSCULAR DYSTROPHY. Identifiers: Orphanet 257, MedGen C2931072, MONDO:0009181, OMIM 226670.
Epidermolysis bullosa simplex 5C, with pyloric atresia (EBS5C). Also called: PLEC-Related Epidermolysis Bullosa with Pyloric Atresia; Epidermolysis bullosa simplex with pyloric atresia; PLEC1-Related Epidermolysis Bullosa with Pyloric Atresia. Identifiers: Orphanet 158684, MedGen C2677349, MONDO:0012807, OMIM 612138.
Autosomal recessive limb-girdle muscular dystrophy type 2Q (LGMDR17). Also called: MUSCULAR DYSTROPHY, LIMB-GIRDLE, AUTOSOMAL RECESSIVE 17. Identifiers: Orphanet 254361, MedGen C3150989, MONDO:0013390, OMIM 613723.
Epidermolysis bullosa simplex with nail dystrophy (EBS5D). Identifiers: MedGen C4225309, MONDO:0014661, OMIM 616487.
Epidermolysis bullosa simplex, Ogna type (EBS5A). Also called: Pidermolysis bullosa simplex 5A, Ogna type; EPIDERMOLYSIS BULLOSA SIMPLEX 5A, OGNA TYPE. Identifiers: Orphanet 79401, MedGen C0432317, MONDO:0007555, OMIM 131950.

Allele frequency attached by ClinVar (database versions not stated): gnomAD exomes below 0.00001.
gnomAD v4.1: 3 of 1,605,794 alleles (0.00019%); highest among the groups gnomAD compares: Non-Finnish European, 0.00025%; no homozygotes.

Submissions (2):

Labcorp Genetics (formerly Invitae), Labcorp
Classification: Uncertain significance for Autosomal recessive limb-girdle muscular dystrophy type 2Q; Epidermolysis bullosa simplex, Ogna type; Epidermolysis bullosa simplex with nail dystrophy; Epidermolysis bullosa simplex 5C, with pyloric atresia; Epidermolysis bullosa simplex 5B, with muscular dystrophy. Last evaluated: 2025-08-11. Review status: criteria provided, single submitter. Criteria: Invitae Variant Classification Sherloc (09022015). Collection method: clinical testing. Allele origin: germline.
Comment: This sequence change replaces alanine, which is neutral and non-polar, with threonine, which is neutral and polar, at codon 2541 of the PLEC protein (p.Ala2541Thr). This variant is not present in population databases (gnomAD no frequency). This variant has not been reported in the literature in individuals affected with PLEC-related conditions. ClinVar contains an entry for this variant (Variation ID: 1256546). Invitae Evidence Modeling of protein sequence and biophysical properties (such as structural, functional, and spatial information, amino acid conservation, physicochemical variation, residue mobility, and thermodynamic stability) indicates that this missense variant is not expected to disrupt PLEC protein function with a negative predictive value of 80%. In summary, the available evidence is currently insufficient to determine the role of this variant in disease. Therefore, it has been classified as a Variant of Uncertain Significance.

Athena Diagnostics
Classification: Uncertain significance. Last evaluated: 2020-11-16. Review status: criteria provided, single submitter. Criteria: Athena Diagnostics criteria. Collection method: clinical testing. Allele origin: unknown.